The following is an entry in ClinVar:

ClinVar aggregate classification (germline): Uncertain significance (1 of 4 stars; one submission).

Submission:

CeGaT Center for Human Genetics Tuebingen
Classification: Uncertain significance. Last evaluated: 2024-07-01. Review status: criteria provided, single submitter. Criteria: CeGaT Center For Human Genetics Tuebingen Variant Classification Criteria Version 2. Collection method: clinical testing. Allele origin: germline. Affected: yes. Observed: 1 variant allele.
Comment: CELF2: PM2, PP2, BP4

NM_001326317.2(CELF2):c.-20+85417T>G

Gene: CELF2 (CUGBP Elav-like family member 2; plus strand). Cytogenetic location: 10p14.
Variant type: single nucleotide variant.
Coding change: c.-20+85417T>G on transcript NM_001326317.2; 85417 bases into the intron after 20 bases upstream of the start codon, T replaced by G.
Molecular consequence: intron variant. On other transcripts: missense variant (7), 5 prime UTR variant (2).
Genome position (GRCh38, 1-based): chr10:11,005,416, T>G. VCF-style: chr10-11005416-T-G. GRCh37 (hg19) VCF-style: chr10-11047379-T-G.
Other names: c.29T>G, p.Met10Arg (NM_001025077.3, NM_001326331.2, NM_001326332.2 and 4 more transcripts); c.-576T>G (NM_001326333.2); c.-229T>G (NM_001326334.2); c.-20+85417T>G (NM_001326323.2, NM_001326320.2, NM_001326321.2 and 3 more transcripts); c.-20+64962T>G (NM_001326319.2); c.146+85417T>G (NM_001326325.2); c.89+85417T>G (NM_001326327.2, NM_001326326.2); c.-20+418T>G (NM_001326330.2, NM_001326329.2); short protein forms M10R.
Identifiers: ClinVar variation 3257253 (VCV003257253.16).